The following is an entry in ClinVar:

ClinVar aggregate classification (germline): Uncertain significance (1 of 4 stars; one submission).

Submission:

Labcorp Genetics (formerly Invitae), Labcorp
Classification: Uncertain significance. Last evaluated: 2023-12-23. Review status: criteria provided, single submitter. Criteria: Invitae Variant Classification Sherloc (09022015). Collection method: clinical testing. Allele origin: germline.
Comment: This sequence change replaces threonine, which is neutral and polar, with proline, which is neutral and non-polar, at codon 480 of the GUF1 protein (p.Thr480Pro). This variant is not present in population databases (gnomAD no frequency). This variant has not been reported in the literature in individuals affected with GUF1-related conditions. Advanced modeling of protein sequence and biophysical properties (such as structural, functional, and spatial information, amino acid conservation, physicochemical variation, residue mobility, and thermodynamic stability) performed at Invitae indicates that this missense variant is expected to disrupt GUF1 protein function with a positive predictive value of 80%. In summary, the available evidence is currently insufficient to determine the role of this variant in disease. Therefore, it has been classified as a Variant of Uncertain Significance.

NM_021927.3(GUF1):c.1438A>C (p.Thr480Pro)

Gene: GUF1 (GTP binding elongation factor GUF1; plus strand). Cytogenetic location: 4p12.
Variant type: single nucleotide variant.
Coding change: c.1438A>C on transcript NM_021927.3 (MANE Select); coding-DNA position 1438, A replaced by C.
Protein change: p.Thr480Pro; replaces threonine 480 with proline.
Molecular consequence: missense variant.
Genome position (GRCh38, 1-based): chr4:44,690,819, A>C. VCF-style: chr4-44690819-A-C. GRCh37 (hg19) VCF-style: chr4-44692836-A-C.
Other names: c.466A>C, p.Thr156Pro (NM_001345867.2, NM_001345869.2); c.1438A>C, p.Thr480Pro (NM_001345868.2); short protein forms T156P, T480P.
Identifiers: ClinVar variation 2705071 (VCV002705071.3), dbSNP rs2545505556, ClinGen allele CA356763944.